The following is an entry in ClinVar:

NM_001184.4(ATR):c.4554G>A (p.Met1518Ile)

Gene: ATR (ATR checkpoint kinase; minus strand). Cytogenetic location: 3q23.
Variant type: single nucleotide variant.
Coding change: c.4554G>A on transcript NM_001184.4 (MANE Select); coding-DNA position 4554, G replaced by A.
Protein change: p.Met1518Ile; replaces methionine 1518 with isoleucine.
Molecular consequence: missense variant.
Genome position (GRCh38, 1-based): chr3:142,513,588, C>T on the plus strand (G>A on the coding strand, the complement: ATR is on the minus strand). VCF-style: chr3-142513588-C-T. GRCh37 (hg19) VCF-style: chr3-142232430-C-T.
Other names: c.4362G>A, p.Met1454Ile (NM_001354579.2); short protein forms M1518I, M1454I.
Identifiers: ClinVar variation 2056196 (VCV002056196.4), dbSNP rs2473223796, ClinGen allele CA354797006.
Genomic context (GRCh38, chr3:142,513,588, plus strand): 5'-CAGTAAGACATACACCAGAATATGTGGAAGAAGATAGATGGTCACTTTGAAATCATGCTT[C>T]ATCATAATGCTACAGCAGGTGAAAATTTTACTGGCAAGATCATGTCGAACCTGTAAATGC-3'
Protein context (NP_001175.2, residues 1508-1528): SKIFTCCSIM[Met1518Ile]KHDFKVTIYL

ClinVar aggregate classification (germline): Uncertain significance (1 of 4 stars; one submission).

Submission:

Labcorp Genetics (formerly Invitae), Labcorp
Classification: Uncertain significance. Last evaluated: 2024-07-08. Review status: criteria provided, single submitter. Criteria: Invitae Variant Classification Sherloc (09022015). Collection method: clinical testing. Allele origin: germline.
Comment: This sequence change replaces methionine, which is neutral and non-polar, with isoleucine, which is neutral and non-polar, at codon 1518 of the ATR protein (p.Met1518Ile). This variant is not present in population databases (gnomAD no frequency). This variant has not been reported in the literature in individuals affected with ATR-related conditions. ClinVar contains an entry for this variant (Variation ID: 2056196). An algorithm developed to predict the effect of missense changes on protein structure and function (PolyPhen-2) suggests that this variant is likely to be tolerated. In summary, the available evidence is currently insufficient to determine the role of this variant in disease. Therefore, it has been classified as a Variant of Uncertain Significance.